The following is an entry in ClinVar:

ClinVar aggregate classification (germline): Uncertain significance (1 of 4 stars; one submission).

Conditions:
Hereditary cancer-predisposing syndrome. Also called: Hereditary neoplastic syndrome; Neoplastic Syndromes, Hereditary; Tumor predisposition; Hereditary Cancer Syndrome. Identifiers: Orphanet 140162, MedGen C0027672, MeSH D009386, MONDO:0015356.

Submission:

Ambry Genetics
Classification: Uncertain significance for Hereditary cancer-predisposing syndrome. Last evaluated: 2024-12-19. Review status: criteria provided, single submitter. Criteria: Ambry Variant Classification Scheme 2023. Collection method: clinical testing. Allele origin: germline.
Comment: The c.75_183dup109 variant, located in coding exon 1 of the VHL gene, results from a duplication of TGAAGAAGACGGCGGGGAGGAGTCG GGCGCCGAGGAGTCCGGCCCGGAAGAGTCCGGCCCGGAGGAACTGGGCGCCGAGGAGGAGATGGAGGCCGGGCGGCCGCGGCCC at nucleotide positions 75 to 183, which is predicted to introduce alternate stop codon (p.V62*). Premature stop codons are typically deleterious in nature; however, an alternate initiation codon exists downstream of duplicated sequence and may result in a biologically active isoform, known as VHL19 (Schoenfeld A et al. Proc. Natl. Acad. Sci. U.S.A. 1998 Jul; 95(15):8817-22; Iliopoulos O et al. Proc. Natl. Acad. Sci. U.S.A. 1998 Sep; 95(20):11661-6). Based on the available evidence, the clinical significance of this variant remains unclear.

NM_000551.4(VHL):c.75_183dup (p.Val62Ter)

Gene: VHL (von Hippel-Lindau tumor suppressor; plus strand). Cytogenetic location: 3p25.3.
Variant type: Duplication.
Coding change: c.75_183dup on transcript NM_000551.4 (MANE Select); coding-DNA positions 75 to 183, 109 bases duplicated.
Protein change: p.Val62Ter; replaces valine 62 with a stop codon.
Molecular consequence: nonsense. On other transcripts: non-coding transcript variant (1), frameshift variant (1).
Genome position (GRCh38, 1-based): chr3:10,141,922-10,142,030, 109 bases duplicated. GRCh37 (hg19): chr3:10,183,606-10,183,714.
Other names: c.75_183dup, p.Val62Ter (NM_001354723.2, NM_198156.3); c.75_183dupTGAAGAAGACGGCGGGGAGGAGTCGGGCGCCGAGGAGTCCGGCCCGGAAGAGTCCGGCCCGGAGGAACTGGGCGCCGAGGAGGAGATGGAGGCCGGGCGGCCGCGGCCC (NM_000551.3); short protein forms V62*.
Identifiers: ClinVar variation 3814965 (VCV003814965.1).